The following is an entry in ClinVar:

NM_001366900.1(TTC21A):c.88G>T (p.Val30Leu)

Gene: TTC21A (tetratricopeptide repeat domain 21A; plus strand). Cytogenetic location: 3p22.2.
Variant type: single nucleotide variant.
Coding change: c.88G>T on transcript NM_001366900.1 (MANE Select); coding-DNA position 88, G replaced by T.
Protein change: p.Val30Leu; replaces valine 30 with leucine.
Molecular consequence: missense variant. On other transcripts: non-coding transcript variant (3).
Genome position (GRCh38, 1-based): chr3:39,109,145, G>T. VCF-style: chr3-39109145-G-T. GRCh37 (hg19) VCF-style: chr3-39150636-G-T.
Other names: c.88G>T, p.Val30Leu (NM_001105513.3, NM_001366899.1, NM_145755.3); short protein forms V30L.
Identifiers: ClinVar variation 3038160 (VCV003038160.2), dbSNP rs61742187, ClinGen allele CA2323928.

ClinVar aggregate classification (germline): Benign (0 of 4 stars; one submission).

Conditions:
TTC21A-related disorder. Also called: TTC21A-related condition.

Allele frequency attached by ClinVar (database versions not stated): ExAC 0.00109; 1000 Genomes Project 0.00319; 1000 Genomes Project 30x 0.00328; gnomAD 0.00345; TOPMed 0.00387; ESP Exome Variant Server 0.00434.
gnomAD v4.1: 1,058 of 1,614,184 alleles (0.066%); highest among the groups gnomAD compares: African/African-American, 1.2%; 9 homozygotes.

Submission:

PreventionGenetics, part of Exact Sciences
Classification: Benign for TTC21A-related condition. Last evaluated: 2019-11-25. Review status: no assertion criteria provided. Collection method: clinical testing. Allele origin: germline.
Comment: This variant is classified as benign based on ACMG/AMP sequence variant interpretation guidelines (Richards et al. 2015 PMID: 25741868, with internal and published modifications).